The following is an entry in ClinVar:

ClinVar aggregate classification (germline): Uncertain significance (1 of 4 stars; one submission).

Conditions:
Hyperekplexia 3 (HKPX3). Also called: HYPEREKPLEXIA 3, AUTOSOMAL RECESSIVE; HYPEREKPLEXIA 3, AUTOSOMAL DOMINANT. Identifiers: Orphanet 3197, MedGen C3553288, MONDO:0013827, OMIM 614618.

Submission:

Labcorp Genetics (formerly Invitae), Labcorp
Classification: Uncertain significance for Hyperekplexia 3. Last evaluated: 2022-08-06. Review status: criteria provided, single submitter. Criteria: Invitae Variant Classification Sherloc (09022015). Collection method: clinical testing. Allele origin: germline.
Comment: This variant is not present in population databases (gnomAD no frequency). This sequence change replaces phenylalanine, which is neutral and non-polar, with leucine, which is neutral and non-polar, at codon 761 of the SLC6A5 protein (p.Phe761Leu). This variant has not been reported in the literature in individuals affected with SLC6A5-related conditions. Advanced modeling of protein sequence and biophysical properties (such as structural, functional, and spatial information, amino acid conservation, physicochemical variation, residue mobility, and thermodynamic stability) performed at Invitae indicates that this missense variant is not expected to disrupt SLC6A5 protein function. In summary, the available evidence is currently insufficient to determine the role of this variant in disease. Therefore, it has been classified as a Variant of Uncertain Significance.

NM_004211.5(SLC6A5):c.2283C>A (p.Phe761Leu)

Gene: SLC6A5 (solute carrier family 6 member 5; plus strand). Cytogenetic location: 11p15.1.
Variant type: single nucleotide variant.
Coding change: c.2283C>A on transcript NM_004211.5 (MANE Select); coding-DNA position 2283, C replaced by A.
Protein change: p.Phe761Leu; replaces phenylalanine 761 with leucine.
Molecular consequence: missense variant.
Genome position (GRCh38, 1-based): chr11:20,654,757, C>A. VCF-style: chr11-20654757-C-A. GRCh37 (hg19) VCF-style: chr11-20676303-C-A.
Other names: c.1581C>A, p.Phe527Leu (NM_001318369.2); short protein forms F527L, F761L.
Identifiers: ClinVar variation 2049258 (VCV002049258.3), dbSNP rs2494202948, ClinGen allele CA379916633.
Genomic context (GRCh38, chr11:20,654,757, plus strand): 5'-TTTGGCTTCTTTGCAGAGGCTGAAGTTGGTGTGCTCGCCACAGCCGGACTGGGGCCCATT[C>A]TTAGCTCAACACCGCGGGGAGCGTTACAAGAACATGATCGACCCCTTGGGAACCTCTTCC-3'
Protein context (NP_004202.4, residues 751-771): VCSPQPDWGP[Phe761Leu]LAQHRGERYK